The following is an entry in ClinVar:

ClinVar aggregate classification (germline): Pathogenic (1 of 4 stars; one submission).

Conditions:
Alpha thalassemia-X-linked intellectual disability syndrome (ATRX). Also called: ALPHA-THALASSEMIA/MENTAL RETARDATION SYNDROME, X-LINKED; ATR, NONDELETION TYPE; ATR-X syndrome; Alpha thalassemia mental retardation syndrome, nondeletion type, X-linked; XLMR hypotonic face syndrome; X-linked alpha-thalassemia-mental retardation syndrome. Identifiers: Orphanet 847, MedGen C1845055, MONDO:0010519, OMIM 301040.

Submission:

Labcorp Genetics (formerly Invitae), Labcorp
Classification: Pathogenic for Alpha thalassemia-X-linked intellectual disability syndrome. Last evaluated: 2023-04-09. Review status: criteria provided, single submitter. Criteria: Invitae Variant Classification Sherloc (09022015). Collection method: clinical testing. Allele origin: germline.
Comment: For these reasons, this variant has been classified as Pathogenic. This variant has not been reported in the literature in individuals affected with ATRX-related conditions. This variant is not present in population databases (gnomAD no frequency). This sequence change creates a premature translational stop signal (p.Arg2111*) in the ATRX gene. It is expected to result in an absent or disrupted protein product. Loss-of-function variants in ATRX are known to be pathogenic (PMID: 15591283, 18409179, 23681356).

Literature cited by the submitters: PubMed 15591283; PubMed 18409179; PubMed 23681356.

NM_000489.6(ATRX):c.6331C>T (p.Arg2111Ter)

Gene: ATRX (ATRX chromatin remodeler; minus strand). Cytogenetic location: Xq21.1.
Variant type: single nucleotide variant.
Coding change: c.6331C>T on transcript NM_000489.6 (MANE Select); coding-DNA position 6331, C replaced by T.
Protein change: p.Arg2111Ter; replaces arginine 2111 with a stop codon.
Molecular consequence: nonsense.
Genome position (GRCh38, 1-based): chrX:77,558,842, G>A on the plus strand (C>T on the coding strand, the complement: ATRX is on the minus strand). VCF-style: chrX-77558842-G-A. GRCh37 (hg19) VCF-style: chrX-76814313-G-A.
Other names: c.6217C>T, p.Arg2073Ter (NM_138270.5); short protein forms R2111*, R2073*.
Identifiers: ClinVar variation 2802114 (VCV002802114.3), dbSNP rs2147950429, ClinGen allele CA413699447.